The following is an entry in ClinVar:

NM_007294.4(BRCA1):c.4700_4710delinsA (p.Gly1567fs)

Gene: BRCA1 (BRCA1 DNA repair associated; minus strand). Cytogenetic location: 17q21.31.
Variant type: Indel.
Coding change: c.4700_4710delinsA on transcript NM_007294.4 (MANE Select); coding-DNA positions 4700 to 4710, GAATCAGCCTC replaced by A.
Protein change: p.Gly1567fs; shifts the reading frame from glycine 1567.
Molecular consequence: frameshift variant. On other transcripts: non-coding transcript variant (1).
Genome position (GRCh38, 1-based): chr17:43,071,204-43,071,214, GAGGCTGATTC replaced by T on the plus strand (GAATCAGCCTC replaced by A on the coding strand, the reverse complement: BRCA1 is on the minus strand). VCF-style: chr17-43071204-GAGGCTGATTC-T. GRCh37 (hg19) VCF-style: chr17-41223221-GAGGCTGATTC-T.
Other names: 4819del11insA; c.4697_4707delGAATCAGCCTCinsA, p.Gly1566Aspfs (NM_001407618.1, NM_001407619.1, NM_001407620.1 and 17 more transcripts); c.4694_4704delGAATCAGCCTCinsA, p.Gly1565Aspfs (NM_001407627.1, NM_001407628.1, NM_001407629.1 and 14 more transcripts); c.4691_4701delGAATCAGCCTCinsA, p.Gly1564Aspfs (NM_001407644.1, NM_001407645.1); c.4688_4698delGAATCAGCCTCinsA, p.Gly1563Aspfs (NM_001407646.1); c.4685_4695delGAATCAGCCTCinsA, p.Gly1562Aspfs (NM_001407647.1); c.4643_4653delGAATCAGCCTCinsA, p.Gly1548Aspfs (NM_001407648.1); c.4640_4650delGAATCAGCCTCinsA, p.Gly1547Aspfs (NM_001407649.1); and 74 more; short protein forms G1520fs, G1588fs, G463fs, G1567fs.
Identifiers: ClinVar variation 266492 (VCV000266492.6), dbSNP rs886040245, ClinGen allele CA10589647.

ClinVar aggregate classification (germline): Pathogenic. Review status: reviewed by expert panel (3 of 4 stars). 2 submissions from 2 submitters: Pathogenic (1). 1 of the submissions does not count toward it. Last evaluated 2016-10-18.

Conditions:
Breast-ovarian cancer, familial, susceptibility to, 1 (BROVCA1). Also called: BRCA1 Hereditary Breast and Ovarian Cancer; OVARIAN CANCER, SUSCEPTIBILITY TO. Identifiers: Orphanet 145, MedGen C2676676, MONDO:0011450, OMIM 604370. Disease mechanism: loss of function.

Submissions (2):

Evidence-based Network for the Interpretation of Germline Mutant Alleles (ENIGMA)
Classification: Pathogenic for Breast-ovarian cancer, familial, susceptibility to, 1. Last evaluated: 2016-10-18. Review status: reviewed by expert panel. Criteria: ENIGMA BRCA1/2 Classification Criteria (2015). Collection method: curation. Allele origin: germline.
Comment: Variant allele predicted to encode a truncated non-functional protein.

Consortium of Investigators of Modifiers of BRCA1/2 (CIMBA), c/o University of Cambridge
Classification: Pathogenic for Breast-ovarian cancer, familial, susceptibility to, 1. Last evaluated: 2015-10-02. Review status: criteria provided, single submitter. Criteria: CIMBA Mutation Classification guidelines May 2016. Collection method: clinical testing. Allele origin: germline. Not counted in ClinVar's aggregate classification.